The following is an entry in ClinVar:

ClinVar aggregate classification (germline): Uncertain significance. Review status: criteria provided, multiple submitters, no conflicts (2 of 4 stars). 2 submissions from 2 submitters: Uncertain significance (2). Last evaluated 2025-08-06.

Conditions:
Inborn genetic diseases. Identifiers: MedGen C0950123, MeSH D030342.
Autosomal recessive limb-girdle muscular dystrophy type R18 (LGMDR18). Also called: Limb-girdle muscular dystrophy, type 2S; MUSCULAR DYSTROPHY, LIMB-GIRDLE, AUTOSOMAL RECESSIVE 18; Autosomal recessive limb-girdle muscular dystrophy type 2S. Identifiers: Orphanet 369840, MedGen C4517996, MONDO:0014144, OMIM 615356.

Allele frequency attached by ClinVar (database versions not stated): gnomAD exomes below 0.00001; TOPMed below 0.00001; ExAC 0.00001.
gnomAD v4.1: 1 of 1,609,116 alleles (0.000062%); highest among the groups gnomAD compares: African/African-American, 0.0013%; no homozygotes.

Submissions (2):

Ambry Genetics
Classification: Uncertain significance for Inborn genetic diseases. Last evaluated: 2025-08-06. Review status: criteria provided, single submitter. Criteria: Ambry Variant Classification Scheme 2023. Collection method: clinical testing. Allele origin: germline.

Labcorp Genetics (formerly Invitae), Labcorp
Classification: Uncertain significance for Autosomal recessive limb-girdle muscular dystrophy type R18. Last evaluated: 2021-11-07. Review status: criteria provided, single submitter. Criteria: Invitae Variant Classification Sherloc (09022015). Collection method: clinical testing. Allele origin: germline.
Comment: In summary, the available evidence is currently insufficient to determine the role of this variant in disease. Therefore, it has been classified as a Variant of Uncertain Significance. Algorithms developed to predict the effect of missense changes on protein structure and function (SIFT, PolyPhen-2, Align-GVGD) all suggest that this variant is likely to be tolerated. This variant has not been reported in the literature in individuals affected with TRAPPC11-related conditions. This variant is not present in population databases (gnomAD no frequency). This sequence change replaces histidine, which is basic and polar, with aspartic acid, which is acidic and polar, at codon 260 of the TRAPPC11 protein (p.His260Asp).

NM_021942.6(TRAPPC11):c.778C>G (p.His260Asp)

Gene: TRAPPC11 (trafficking protein particle complex subunit 11; plus strand). Cytogenetic location: 4q35.1.
Variant type: single nucleotide variant.
Coding change: c.778C>G on transcript NM_021942.6 (MANE Select); coding-DNA position 778, C replaced by G.
Protein change: p.His260Asp; replaces histidine 260 with aspartic acid.
Molecular consequence: missense variant.
Genome position (GRCh38, 1-based): chr4:183,677,501, C>G. VCF-style: chr4-183677501-C-G. GRCh37 (hg19) VCF-style: chr4-184598654-C-G.
Other names: c.778C>G (NM_021942.4); c.778C>G, p.His260Asp (NM_199053.3); short protein forms H260D.
Identifiers: ClinVar variation 1365605 (VCV001365605.7), dbSNP rs760504776, ClinGen allele CA3151704.